The following is an entry in ClinVar:

NM_001199799.2(ILDR1):c.979C>T (p.Arg327Cys)

Gene: ILDR1 (immunoglobulin like domain containing receptor 1; minus strand). Cytogenetic location: 3q13.33.
Variant type: single nucleotide variant.
Coding change: c.979C>T on transcript NM_001199799.2 (MANE Select); coding-DNA position 979, C replaced by T.
Protein change: p.Arg327Cys; replaces arginine 327 with cysteine.
Molecular consequence: missense variant.
Genome position (GRCh38, 1-based): chr3:121,993,770, G>A on the plus strand (C>T on the coding strand, the complement: ILDR1 is on the minus strand). VCF-style: chr3-121993770-G-A. GRCh37 (hg19) VCF-style: chr3-121712617-G-A.
Other names: c.979C>T (NM_001199799.1); c.712C>T, p.Arg238Cys (NM_001199800.2); c.847C>T, p.Arg283Cys (NM_175924.4); short protein forms R283C, R238C, R327C.
Identifiers: ClinVar variation 1983668 (VCV001983668.4), dbSNP rs778078949, ClinGen allele CA2568779.
Genomic context (GRCh38, chr3:121,993,770, plus strand): 5'-CACTGGTCCTCCTTGAGGATGACAGGTCTCTGATCAGTGGGGGCAGGTGGATGATTCTGC[G>A]TTCCACGACCTCAGAGCCCAGGGAGGACAGCATGCTGCAGGGATGGCCAAATCTGCCTTT-3'
Protein context (NP_001186728.1, residues 317-337): LSSLGSEVVE[Arg327Cys]RIIHLPPLIR

ClinVar aggregate classification (germline): Uncertain significance. Review status: criteria provided, multiple submitters, no conflicts (2 of 4 stars). 3 submissions from 3 submitters: Uncertain significance (3). Last evaluated 2024-03-26.

Conditions:
Inborn genetic diseases. Identifiers: MedGen C0950123, MeSH D030342.

Allele frequency attached by ClinVar (database versions not stated): ExAC 0.00002.
gnomAD v4.1: 170 of 1,614,046 alleles (0.011%); highest among the groups gnomAD compares: Non-Finnish European, 0.014%; no homozygotes.

Submissions (3):

Blueprint Genetics
Classification: Uncertain significance. Last evaluated: 2024-03-26. Review status: criteria provided, single submitter. Criteria: ACMG Guidelines, 2015. Collection method: clinical testing. Allele origin: germline.

Ambry Genetics
Classification: Uncertain significance for Inborn genetic diseases. Last evaluated: 2023-12-20. Review status: criteria provided, single submitter. Criteria: Ambry Variant Classification Scheme 2023. Collection method: clinical testing. Allele origin: germline.

Labcorp Genetics (formerly Invitae), Labcorp
Classification: Uncertain significance. Last evaluated: 2022-05-03. Review status: criteria provided, single submitter. Criteria: Invitae Variant Classification Sherloc (09022015). Collection method: clinical testing. Allele origin: germline.
Comment: In summary, the available evidence is currently insufficient to determine the role of this variant in disease. Therefore, it has been classified as a Variant of Uncertain Significance. Algorithms developed to predict the effect of missense changes on protein structure and function (SIFT, PolyPhen-2, Align-GVGD) all suggest that this variant is likely to be disruptive. This variant has not been reported in the literature in individuals affected with ILDR1-related conditions. This variant is present in population databases (rs778078949, gnomAD 0.006%). This sequence change replaces arginine, which is basic and polar, with cysteine, which is neutral and slightly polar, at codon 327 of the ILDR1 protein (p.Arg327Cys).